The following is an entry in ClinVar:

ClinVar aggregate classification (germline): Conflicting classifications of pathogenicity. Review status: criteria provided, conflicting classifications (1 of 4 stars). 5 submissions from 5 submitters: Uncertain significance (1); Likely benign (3). 1 of the submissions does not count toward it. Last evaluated 2026-01-28.

Conditions:
RYR1-related disorder. Also called: RYR1-related condition; RYR1-related disorders. Identifiers: MedGen CN239331.
Malignant hyperthermia, susceptibility to, 1 (MHS1). Also called: RYR1-Related Malignant Hyperthermia Susceptibility; Malignant hyperthermia suceptibility 1; Anesthesia related hyperthermia; Malignant hyperpyrexia; Fulminating hyperpyrexia; Pharmacogenic myopathy. Identifiers: Orphanet 423, MedGen C2930980, MONDO:0007783, OMIM 145600.

Allele frequency attached by ClinVar (database versions not stated): TOPMed 0.00001; gnomAD exomes 0.00003; ExAC 0.00005; 1000 Genomes Project 30x 0.00016; 1000 Genomes Project 0.00020.
gnomAD v4.1: 15 of 1,557,376 alleles (0.00096%); highest among the groups gnomAD compares: South Asian, 0.0095%; no homozygotes.

Submissions (5):

Labcorp Genetics (formerly Invitae), Labcorp
Classification: Likely benign for RYR1-related disorder. Last evaluated: 2026-01-28. Review status: criteria provided, single submitter. Criteria: Invitae Variant Classification Sherloc (09022015). Collection method: clinical testing. Allele origin: germline.

Color Diagnostics, LLC DBA Color Health
Classification: Likely benign for Malignant hyperthermia, susceptibility to, 1. Last evaluated: 2022-11-06. Review status: criteria provided, single submitter. Criteria: ACMG Guidelines, 2015. Collection method: clinical testing. Allele origin: germline.

Blueprint Genetics
Classification: Likely benign. Last evaluated: 2021-07-08. Review status: criteria provided, single submitter. Criteria: ACMG Guidelines, 2015. Collection method: clinical testing. Allele origin: germline.

Eurofins Ntd Llc (ga)
Classification: Uncertain significance. Last evaluated: 2015-10-01. Review status: criteria provided, single submitter. Criteria: EGL Classification Definitions 2015. Collection method: clinical testing. Allele origin: germline. Observed: 1 variant allele, 1 heterozygote.

PreventionGenetics, part of Exact Sciences
Classification: Likely benign for RYR1-related condition. Last evaluated: 2022-12-15. Review status: no assertion criteria provided. Collection method: clinical testing. Allele origin: germline. Not counted in ClinVar's aggregate classification.
Comment: This variant is classified as likely benign based on ACMG/AMP sequence variant interpretation guidelines (Richards et al. 2015 PMID: 25741868, with internal and published modifications).

NM_000540.3(RYR1):c.9624G>T (p.Pro3208=)

Gene: RYR1 (ryanodine receptor 1; plus strand). Cytogenetic location: 19q13.2.
Variant type: single nucleotide variant.
Coding change: c.9624G>T on transcript NM_000540.3 (MANE Select); coding-DNA position 9624, G replaced by T.
Protein change: p.Pro3208=; no amino-acid change (proline 3208 retained).
Molecular consequence: synonymous variant.
Genome position (GRCh38, 1-based): chr19:38,516,156, G>T. VCF-style: chr19-38516156-G-T. GRCh37 (hg19) VCF-style: chr19-39006796-G-T.
Other names: c.9624G>T, p.Pro3208= (NM_001042723.2); c.9624G>T (NM_000540.2).
Identifiers: ClinVar variation 283542 (VCV000283542.16), dbSNP rs552470353, ClinGen allele CA073903.